The following is an entry in ClinVar:

ClinVar aggregate classification (germline): Conflicting classifications of pathogenicity. Review status: criteria provided, conflicting classifications (1 of 4 stars). 4 submissions from 4 submitters: Uncertain significance (1); Likely benign (2). 1 of the submissions does not count toward it. Last evaluated 2025-11-26.

Conditions:
Ataxia-telangiectasia syndrome (AT). Also called: Ataxia-telangiectasia, complementation group E; Ataxia telangiectasia (A-T); LOUIS-BAR SYNDROME; Ataxia-telangiectasia, complementation group D; AT, COMPLEMENTATION GROUP C; Ataxia-telangiectasia. Identifiers: Orphanet 100, MedGen C0004135, MONDO:0008840, OMIM 208900.
Hereditary cancer-predisposing syndrome. Also called: Neoplastic Syndromes, Hereditary; Hereditary neoplastic syndrome; Tumor predisposition; Hereditary Cancer Syndrome. Identifiers: Orphanet 140162, MedGen C0027672, MeSH D009386, MONDO:0015356.

Submissions (4):

Ambry Genetics
Classification: Likely benign for Hereditary cancer-predisposing syndrome. Last evaluated: 2025-11-26. Review status: criteria provided, single submitter. Criteria: Ambry Variant Classification Scheme 2023. Collection method: clinical testing. Allele origin: germline.

Labcorp Genetics (formerly Invitae), Labcorp
Classification: Likely benign for Ataxia-telangiectasia syndrome. Last evaluated: 2024-11-12. Review status: criteria provided, single submitter. Criteria: Invitae Variant Classification Sherloc (09022015). Collection method: clinical testing. Allele origin: germline.

Color Diagnostics, LLC DBA Color Health
Classification: Uncertain significance for Hereditary cancer-predisposing syndrome. Last evaluated: 2022-08-09. Review status: criteria provided, single submitter. Criteria: ACMG Guidelines, 2015. Collection method: clinical testing. Allele origin: germline.
Comment: This variant causes a T to C nucleotide substitution at the +4 position of intron 26 of the ATM gene. To our knowledge, functional studies have not been reported for this variant. This variant has not been reported in individuals affected with hereditary cancer in the literature. This variant has not been identified in the general population by the Genome Aggregation Database (gnomAD). The available evidence is insufficient to determine the role of this variant in disease conclusively. Therefore, this variant is classified as a Variant of Uncertain Significance.

Natera, Inc.
Classification: Uncertain significance for Ataxia-telangiectasia. Last evaluated: 2021-06-16. Review status: no assertion criteria provided. Collection method: clinical testing. Allele origin: germline. Not counted in ClinVar's aggregate classification.

NM_000051.4(ATM):c.3993+4T>C

Gene: ATM (ATM serine/threonine kinase; plus strand). Cytogenetic location: 11q22.3.
Variant type: single nucleotide variant.
Coding change: c.3993+4T>C on transcript NM_000051.4 (MANE Select); 4 bases into the intron after coding-DNA position 3993, T replaced by C.
Molecular consequence: intron variant.
Genome position (GRCh38, 1-based): chr11:108,284,477, T>C. VCF-style: chr11-108284477-T-C. GRCh37 (hg19) VCF-style: chr11-108155204-T-C.
Other names: c.3993+4T>C (NM_001351834.2).
Identifiers: ClinVar variation 838495 (VCV000838495.19), dbSNP rs2082390512, ClinGen allele CA916080042.